The following is an entry in ClinVar:

NM_201384.3(PLEC):c.6059A>G (p.Glu2020Gly)

Gene: PLEC (plectin; minus strand). Cytogenetic location: 8q24.3.
Variant type: single nucleotide variant.
Coding change: c.6059A>G on transcript NM_201384.3 (MANE Select); coding-DNA position 6059, A replaced by G.
Protein change: p.Glu2020Gly; replaces glutamic acid 2020 with glycine.
Molecular consequence: missense variant.
Genome position (GRCh38, 1-based): chr8:143,923,870, T>C on the plus strand (A>G on the coding strand, the complement: PLEC is on the minus strand). VCF-style: chr8-143923870-T-C. GRCh37 (hg19) VCF-style: chr8-144998038-T-C.
Other names: c.6140A>G, p.Glu2047Gly (NM_000445.5); c.6017A>G, p.Glu2006Gly (NM_201378.4); c.5993A>G, p.Glu1998Gly (NM_201379.3); c.6470A>G, p.Glu2157Gly (NM_201380.4); c.5963A>G, p.Glu1988Gly (NM_201381.3); c.6059A>G, p.Glu2020Gly (NM_201382.4); c.6071A>G, p.Glu2024Gly (NM_201383.3); short protein forms E2006G, E2020G, E2047G, E1998G, E1988G, E2157G, E2024G.
Identifiers: ClinVar variation 1394171 (VCV001394171.6), dbSNP rs367662560, ClinGen allele CA372539416.
Genomic context (GRCh38, chr8:143,923,870, plus strand): 5'-TGGGCCAGCTGCAGCTGCCGCGCCGACTCCTGCTCCGCTCGCTCCCGCAGGCGCCGCGCC[T>C]CCTCCACCTTGGCTTTCAGCCGCTCGACTTCCTCCAGCGCCGCCTTCCGCTGCCGTGCGG-3'
Protein context (NP_958786.1, residues 2010-2030): EVERLKAKVE[Glu2020Gly]ARRLRERAEQ

ClinVar aggregate classification (germline): Uncertain significance (1 of 4 stars; one submission).

Conditions:
Epidermolysis bullosa simplex 5B, with muscular dystrophy (EBS5B). Also called: Epidermolysis bullosa simplex with muscular dystrophy; EPIDERMOLYSIS BULLOSA SIMPLEX AND LIMB-GIRDLE MUSCULAR DYSTROPHY. Identifiers: Orphanet 257, MedGen C2931072, MONDO:0009181, OMIM 226670.
Epidermolysis bullosa simplex 5C, with pyloric atresia (EBS5C). Also called: PLEC1-Related Epidermolysis Bullosa with Pyloric Atresia; PLEC-Related Epidermolysis Bullosa with Pyloric Atresia; Epidermolysis bullosa simplex with pyloric atresia. Identifiers: Orphanet 158684, MedGen C2677349, MONDO:0012807, OMIM 612138.
Autosomal recessive limb-girdle muscular dystrophy type 2Q (LGMDR17). Also called: MUSCULAR DYSTROPHY, LIMB-GIRDLE, AUTOSOMAL RECESSIVE 17. Identifiers: Orphanet 254361, MedGen C3150989, MONDO:0013390, OMIM 613723.
Epidermolysis bullosa simplex, Ogna type (EBS5A). Also called: Pidermolysis bullosa simplex 5A, Ogna type; EPIDERMOLYSIS BULLOSA SIMPLEX 5A, OGNA TYPE. Identifiers: Orphanet 79401, MedGen C0432317, MONDO:0007555, OMIM 131950.
Epidermolysis bullosa simplex with nail dystrophy (EBS5D). Identifiers: MedGen C4225309, MONDO:0014661, OMIM 616487.

gnomAD v4.1: 4 of 1,594,256 alleles (0.00025%); highest among the groups gnomAD compares: Non-Finnish European, 0.00017%; no homozygotes.

Submission:

Labcorp Genetics (formerly Invitae), Labcorp
Classification: Uncertain significance for Autosomal recessive limb-girdle muscular dystrophy type 2Q; Epidermolysis bullosa simplex, Ogna type; Epidermolysis bullosa simplex with nail dystrophy; Epidermolysis bullosa simplex 5C, with pyloric atresia; Epidermolysis bullosa simplex 5B, with muscular dystrophy. Last evaluated: 2022-07-06. Review status: criteria provided, single submitter. Criteria: Invitae Variant Classification Sherloc (09022015). Collection method: clinical testing. Allele origin: germline.
Comment: In summary, the available evidence is currently insufficient to determine the role of this variant in disease. Therefore, it has been classified as a Variant of Uncertain Significance. Algorithms developed to predict the effect of missense changes on protein structure and function are either unavailable or do not agree on the potential impact of this missense change (SIFT: "Tolerated"; PolyPhen-2: "Not Available"; Align-GVGD: "Class C0"). ClinVar contains an entry for this variant (Variation ID: 1394171). This variant has not been reported in the literature in individuals affected with PLEC-related conditions. This variant is present in population databases (no rsID available, gnomAD 0.001%). This sequence change replaces glutamic acid, which is acidic and polar, with glycine, which is neutral and non-polar, at codon 2047 of the PLEC protein (p.Glu2047Gly).